The following is an entry in ClinVar:

NM_182919.4(TICAM1):c.1929G>A (p.Pro643=)

Gene: TICAM1 (TIR domain containing adaptor molecule 1; minus strand). Cytogenetic location: 19p13.3.
Variant type: single nucleotide variant.
Coding change: c.1929G>A on transcript NM_182919.4 (MANE Select); coding-DNA position 1929, G replaced by A.
Protein change: p.Pro643=; no amino-acid change (proline 643 retained).
Molecular consequence: synonymous variant.
Genome position (GRCh38, 1-based): chr19:4,816,449, C>T on the plus strand (G>A on the coding strand, the complement: TICAM1 is on the minus strand). VCF-style: chr19-4816449-C-T. GRCh37 (hg19) VCF-style: chr19-4816461-C-T.
Other names: c.1887G>A, p.Pro629= (NM_001385678.1); c.1794G>A, p.Pro598= (NM_001385679.1); c.1287G>A, p.Pro429= (NM_001385680.1); c.1929G>A (NM_182919.3).
Identifiers: ClinVar variation 1164830 (VCV001164830.12), dbSNP rs201978370, ClinGen allele CA9105031.

ClinVar aggregate classification (germline): Benign/Likely benign. Review status: criteria provided, multiple submitters, no conflicts (2 of 4 stars). 3 submissions from 3 submitters: Benign (1); Likely benign (1). 1 of the submissions does not count toward it. Last evaluated 2025-12-17.

Conditions:
TICAM1-related disorder. Also called: TICAM1-related condition.
Encephalopathy, acute, infection-induced (herpes-specific), susceptibility to, 6. Also called: Herpes simplex encephalitis, susceptibility to, 4. Identifiers: Orphanet 1930, MedGen C3553869, MONDO:0013921, OMIM 614850.

Allele frequency attached by ClinVar (database versions not stated): 1000 Genomes Project 0.00060; 1000 Genomes Project 30x 0.00047; TOPMed 0.00020; ExAC 0.00045; gnomAD exomes 0.00010 and 0.00037.

Submissions (3):

Labcorp Genetics (formerly Invitae), Labcorp
Classification: Benign for Encephalopathy, acute, infection-induced (herpes-specific), susceptibility to, 6. Last evaluated: 2025-12-17. Review status: criteria provided, single submitter. Criteria: Invitae Variant Classification Sherloc (09022015). Collection method: clinical testing. Allele origin: germline.

Blueprint Genetics
Classification: Likely benign. Last evaluated: 2023-06-27. Review status: criteria provided, single submitter. Criteria: ACMG Guidelines, 2015. Collection method: clinical testing. Allele origin: germline.

PreventionGenetics, part of Exact Sciences
Classification: Likely benign for TICAM1-related condition. Last evaluated: 2024-01-31. Review status: no assertion criteria provided. Collection method: clinical testing. Allele origin: germline. Not counted in ClinVar's aggregate classification.
Comment: This variant is classified as likely benign based on ACMG/AMP sequence variant interpretation guidelines (Richards et al. 2015 PMID: 25741868, with internal and published modifications).